The following is an entry in ClinVar:

NM_012123.4(MTO1):c.1325G>A (p.Arg442Gln)

Gene: MTO1 (mitochondrial tRNA translation optimization 1; plus strand). Cytogenetic location: 6q13.
Variant type: single nucleotide variant.
Coding change: c.1325G>A on transcript NM_012123.4 (MANE Select); coding-DNA position 1325, G replaced by A.
Protein change: p.Arg442Gln; replaces arginine 442 with glutamine.
Molecular consequence: missense variant.
Genome position (GRCh38, 1-based): chr6:73,482,104, G>A. VCF-style: chr6-73482104-G-A. GRCh37 (hg19) VCF-style: chr6-74191827-G-A.
Other names: c.1445G>A, p.Arg482Gln (NM_001123226.2); c.1400G>A, p.Arg467Gln (NM_133645.3); short protein forms R467Q, R482Q, R442Q.
Identifiers: ClinVar variation 807632 (VCV000807632.11), dbSNP rs765548847, ClinGen allele CA3889619.
Genomic context (GRCh38, chr6:73,482,104, plus strand): 5'-TGATAGCCGGAATCAACGCCAGTCTTCGGGTCAGTCGCAAGCCTCCCTTTGTGGTTAGCC[G>A]AACAGAAGGTTACATAGGAGTCTTGATTGATGACCTCACTACTCTGGGCACCAGTGAACC-3'
Protein context (NP_036255.2, residues 432-452): VSRKPPFVVS[Arg442Gln]TEGYIGVLID

ClinVar aggregate classification (germline): Conflicting classifications of pathogenicity. Review status: criteria provided, conflicting classifications (1 of 4 stars). 3 submissions from 3 submitters: Likely pathogenic (1); Uncertain significance (2). Last evaluated 2024-07-12.

Conditions:
Mitochondrial hypertrophic cardiomyopathy with lactic acidosis due to MTO1 deficiency. Also called: CARDIOMYOPATHY, INFANTILE HYPERTROPHIC MITOCHONDRIAL, AND LACTIC ACIDOSIS; Combined oxidative phosphorylation deficiency 10. Identifiers: Orphanet 314637, MedGen C4749921, MONDO:0013865, OMIM 614702.

Allele frequency attached by ClinVar (database versions not stated): ExAC 0.00001; gnomAD exomes 0.00001; TOPMed 0.00001; gnomAD 0.00002.
gnomAD v4.1: 38 of 1,613,990 alleles (0.0024%); highest among the groups gnomAD compares: East Asian, 0.0045%; no homozygotes.

Submissions (3):

Blueprint Genetics
Classification: Uncertain significance. Last evaluated: 2024-07-12. Review status: criteria provided, single submitter. Criteria: ACMG Guidelines, 2015. Collection method: clinical testing. Allele origin: germline.

Labcorp Genetics (formerly Invitae), Labcorp
Classification: Uncertain significance for Mitochondrial hypertrophic cardiomyopathy with lactic acidosis due to MTO1 deficiency. Last evaluated: 2022-11-01. Review status: criteria provided, single submitter. Criteria: Invitae Variant Classification Sherloc (09022015). Collection method: clinical testing. Allele origin: germline.
Comment: This sequence change replaces arginine, which is basic and polar, with glutamine, which is neutral and polar, at codon 442 of the MTO1 protein (p.Arg442Gln). This variant is present in population databases (rs765548847, gnomAD 0.01%). This variant has not been reported in the literature in individuals affected with MTO1-related conditions. ClinVar contains an entry for this variant (Variation ID: 807632). Advanced modeling of protein sequence and biophysical properties (such as structural, functional, and spatial information, amino acid conservation, physicochemical variation, residue mobility, and thermodynamic stability) performed at Invitae indicates that this missense variant is expected to disrupt MTO1 protein function. In summary, the available evidence is currently insufficient to determine the role of this variant in disease. Therefore, it has been classified as a Variant of Uncertain Significance.

Institute of Human Genetics Munich, TUM University Hospital
Classification: Likely pathogenic for Mitochondrial hypertrophic cardiomyopathy with lactic acidosis due to MTO1 deficiency. Last evaluated: 2020-01-14. Review status: criteria provided, single submitter. Criteria: Classification criteria August 2017. Collection method: clinical testing. Allele origin: paternal. Inheritance: Autosomal recessive inheritance. Affected: yes. Observed: 1 compound heterozygote.

Literature cited by the submitters: PubMed 22608499 (cited by Institute of Human Genetics Munich, TUM University Hospital).